The following is an entry in ClinVar:

NM_000330.4(RS1):c.276G>C (p.Trp92Cys)

Genes: CDKL5 (cyclin dependent kinase like 5; plus strand), RS1 (retinoschisin 1; minus strand). Cytogenetic location: Xp22.13.
Variant type: single nucleotide variant.
Coding change: c.276G>C on transcript NM_000330.4 (MANE Select); coding-DNA position 276, G replaced by C.
Protein change: p.Trp92Cys; replaces tryptophan 92 with cysteine.
Molecular consequence: missense variant. On other transcripts: intron variant (2).
Genome position (GRCh38, 1-based): chrX:18,647,241, C>G on the plus strand (G>C on the coding strand, the complement: RS1 is on the minus strand). VCF-style: chrX-18647241-C-G. GRCh37 (hg19) VCF-style: chrX-18665361-C-G.
Other names: NM_000330.4(RS1):c.276G>C; p.Trp92Cys; c.2797+1151C>G (NM_003159.3, NM_001037343.2); short protein forms W92C.
Identifiers: ClinVar variation 98925 (VCV000098925.16), dbSNP rs61752062, ClinGen allele CA226650.
Genomic context (GRCh38, chrX:18,647,241, plus strand): 5'-CCCTGCTTACCCAAAGCCTTGACTGTTGAGCCGGGCCTTGTTTGCAGTCCACGAAGAATA[C>G]CAGCCCACATACTGCTCCGGGTTAGAGCAGGTGATCTGGTCCGGTGTGACCTCCCCTGAC-3'
Protein context (NP_000321.1, residues 82-102): TCSNPEQYVG[Trp92Cys]YSSWTANKAR

ClinVar aggregate classification (germline): Pathogenic. Review status: reviewed by expert panel (3 of 4 stars). 7 submissions from 7 submitters: Pathogenic (1). 6 of the submissions do not count toward it. Last evaluated 2025-05-19.

Conditions:
RS1-related disorder. Also called: RS1-related condition.
Retinal dystrophy. Also called: Inherited retinal dystrophy. Identifiers: Orphanet 71862, MedGen C0854723, MeSH D058499, MONDO:0019118, HP:0000556.
Juvenile retinoschisis (RS1). Also called: X-Linked Juvenile Retinoschisis; X-linked retinoschisis. Identifiers: Orphanet 792, MedGen C3714753, MONDO:0010725, OMIM 312700.

Submissions (7):

ClinGen X-linked Inherited Retinal Disease Variant Curation Expert Panel, ClinGen
Classification: Pathogenic for Juvenile retinoschisis. Last evaluated: 2025-05-19. Review status: reviewed by expert panel. Criteria: ClinGen X LinkedIRD ACMG Specifications RS1 V1.0.0. Collection method: curation. Allele origin: germline. Inheritance: X-linked inheritance.
Comment: The NM_000330.4(RS1):c.276G>C variant is a missense variant encoding the substitution of Tryptophan with Cysteine at amino acid 92. This variant is absent from hemizygous individuals in gnomAD v4.1.0 (PM2_Supporting). The computational predictor REVEL gives a score of 0.982, which is above the ClinGen X-linked IRD VCEP threshold of >0.932 and predicts a damaging effect on RS1 function (PP3_strong). The computational splicing predictor SpliceAI gives a delta score of 0.00 for all predictive splice changes], which is below the ClinGen X-linked IRD VCEP threshold of >0.2 and does not predict that the variant disrupts RS1 splicing. The variant has been reported to segregate with retinal dystrophy through at least 1 meiosis in a family, which consists of 2 brothers and an unaffected mother (PP1; PMID: 9760195). At least one proband harboring this variant exhibits a phenotype including appearance of schisis and reduced visual acuity before age 13 years, which together are specific for X-linked retinoschisis (PMID: 10636421, PP4). This variant has been reported in at least 6 apparently unrelated probands meeting the PS4 requirements of a male diagnosed with X-linked retinoschisis (PMIDs: PMID: 9760195, 28348004, 31106028, 28272453, 33608557, 34624300, 39462066, and 20809529, PS4). In summary, this variant is classified as pathogenic for X-linked retinoschisis based on the ClinGen X-linked Inherited Retinal Disease Expert Panel Specifications to the ACMG/AMP Variant Interpretation Guidelines for RS1 Version 1.0.0: PM2_supporting, PP3_strong, PP1, PS4, and PP4 (date of approval 01/24/2025).

CeGaT Center for Human Genetics Tuebingen
Classification: Pathogenic. Last evaluated: 2026-06-01. Review status: criteria provided, single submitter. Criteria: CeGaT Center For Human Genetics Tuebingen Variant Classification Criteria Version 2. Collection method: clinical testing. Allele origin: germline. Affected: yes. Observed: 2 variant alleles. Not counted in ClinVar's aggregate classification.
Comment: RS1: PS1, PS4, PM2, PP3, PS3:Supporting

Labcorp Genetics (formerly Invitae), Labcorp
Classification: Pathogenic. Last evaluated: 2025-03-31. Review status: criteria provided, single submitter. Criteria: Invitae Variant Classification Sherloc (09022015). Collection method: clinical testing. Allele origin: germline. Not counted in ClinVar's aggregate classification.
Comment: This sequence change replaces tryptophan, which is neutral and slightly polar, with cysteine, which is neutral and slightly polar, at codon 92 of the RS1 protein (p.Trp92Cys). This variant is not present in population databases (gnomAD no frequency). This missense change has been observed in individuals with X-linked retinoschisis (PMID: 9760195, 20061330, 28272453). ClinVar contains an entry for this variant (Variation ID: 98925). Invitae Evidence Modeling of protein sequence and biophysical properties (such as structural, functional, and spatial information, amino acid conservation, physicochemical variation, residue mobility, and thermodynamic stability) indicates that this missense variant is expected to disrupt RS1 protein function with a positive predictive value of 95%. Experimental studies have shown that this missense change affects RS1 function (PMID: 16361673). This variant disrupts the p.Trp92 amino acid residue in RS1. Other variant(s) that disrupt this residue have been determined to be pathogenic (PMID: 20238027). This suggests that this residue is clinically significant, and that variants that disrupt this residue are likely to be disease-causing. For these reasons, this variant has been classified as Pathogenic.

Blueprint Genetics
Classification: Pathogenic for RS1-related disorders. Last evaluated: 2023-11-29. Review status: criteria provided, single submitter. Criteria: ACMG Guidelines, 2015. Collection method: clinical testing. Allele origin: germline. Affected: yes. Observed: 3 variant alleles. Not counted in ClinVar's aggregate classification.

Institute of Human Genetics, Univ. Regensburg, Univ. Regensburg
Classification: Pathogenic for Retinal dystrophy. Last evaluated: 2021-01-01. Review status: criteria provided, single submitter. Criteria: ACMG Guidelines, 2015. Collection method: clinical testing. Allele origin: germline. Affected: yes. Not counted in ClinVar's aggregate classification.

GeneDx
Classification: Pathogenic. Last evaluated: 2015-08-14. Review status: criteria provided, single submitter. Criteria: GeneDx Variant Classification (06012015). Collection method: clinical testing. Allele origin: germline. Affected: yes. Not counted in ClinVar's aggregate classification.
Comment: The W92C pathogenic variant in the RS1 gene has been reported previously in association with X-linked retinoschisis (Inoue et al. 2000; Hotta et al. 1998). In vitro functional studies demonstrated that the presence of the W92C variant resulted in the retinoschisin protein not being secreted (Wang et al., 2006). The W92C variant was not observed in approximately 6,500 individuals of European and African American ancestry in the NHLBI Exome Sequencing Project, indicating it is not a common benign variant in these populations. The W92C variant is a non-conservative amino acid substitution that occurs at a position that is conserved across species.

Retina International
No classification provided. Review status: no classification provided. Collection method: not provided. Allele origin: unknown. Not counted in ClinVar's aggregate classification.

Literature cited by the submitters: PubMed 9760195 (cited by Labcorp Genetics (formerly Invitae), Labcorp and Institute of Human Genetics, Univ. Regensburg, Univ. Regensburg); PubMed 20061330 (cited by Labcorp Genetics (formerly Invitae), Labcorp and Institute of Human Genetics, Univ. Regensburg, Univ. Regensburg); PubMed 28272453 (cited by Labcorp Genetics (formerly Invitae), Labcorp); PubMed 16361673 (cited by Labcorp Genetics (formerly Invitae), Labcorp and Institute of Human Genetics, Univ. Regensburg, Univ. Regensburg); PubMed 20238027 (cited by Labcorp Genetics (formerly Invitae), Labcorp); PubMed 20809529 (cited by Institute of Human Genetics, Univ. Regensburg, Univ. Regensburg); PubMed 33460243 (cited by Institute of Human Genetics, Univ. Regensburg, Univ. Regensburg); PubMed 35456481 (cited by Institute of Human Genetics, Univ. Regensburg, Univ. Regensburg); PubMed 34822951 (cited by Institute of Human Genetics, Univ. Regensburg, Univ. Regensburg); PubMed 34624300 (cited by Institute of Human Genetics, Univ. Regensburg, Univ. Regensburg).